The following is an entry in ClinVar:

ClinVar aggregate classification (germline): Likely benign. Review status: criteria provided, multiple submitters, no conflicts (2 of 4 stars). 2 submissions from 2 submitters: Likely benign (2). Last evaluated 2024-08-05.

Allele frequency attached by ClinVar (database versions not stated): gnomAD exomes 0.00005 and 0.00006; TOPMed 0.00005; ExAC 0.00008; gnomAD 0.00012.
gnomAD v4.1: 79 of 1,210,699 alleles (0.0065%); highest among the groups gnomAD compares: East Asian, 0.024%; no homozygotes.

Submissions (2):

Labcorp Genetics (formerly Invitae), Labcorp
Classification: Likely benign. Last evaluated: 2024-08-05. Review status: criteria provided, single submitter. Criteria: Invitae Variant Classification Sherloc (09022015). Collection method: clinical testing. Allele origin: germline.

CeGaT Center for Human Genetics Tuebingen
Classification: Likely benign. Last evaluated: 2023-01-01. Review status: criteria provided, single submitter. Criteria: CeGaT Center For Human Genetics Tuebingen Variant Classification Criteria Version 2. Collection method: clinical testing. Allele origin: germline. Affected: yes. Observed: 1 variant allele.
Comment: CCNQ: BP4, BP7, BS2

NM_152274.5(CCNQ):c.180C>T (p.Cys60=)

Gene: CCNQ (cyclin Q; minus strand). Cytogenetic location: Xq28.
Variant type: single nucleotide variant.
Coding change: c.180C>T on transcript NM_152274.5 (MANE Select); coding-DNA position 180, C replaced by T.
Protein change: p.Cys60=; no amino-acid change (cysteine 60 retained).
Molecular consequence: synonymous variant.
Genome position (GRCh38, 1-based): chrX:153,596,120, G>A on the plus strand (C>T on the coding strand, the complement: CCNQ is on the minus strand). VCF-style: chrX-153596120-G-A. GRCh37 (hg19) VCF-style: chrX-152861578-G-A.
Other names: c.180C>T, p.Cys60= (NM_001130997.3).
Identifiers: ClinVar variation 697953 (VCV000697953.31), dbSNP rs782684967, ClinGen allele CA10548472.